The following is an entry in ClinVar:

ClinVar aggregate classification (germline): Uncertain significance. Review status: criteria provided, multiple submitters, no conflicts (2 of 4 stars). 2 submissions from 2 submitters: Uncertain significance (2). Last evaluated 2026-08-17.

Conditions:
Inborn genetic diseases. Identifiers: MedGen C0950123, MeSH D030342.

Allele frequency attached by ClinVar (database versions not stated): ESP Exome Variant Server 0.00008; gnomAD exomes 0.00004 and 0.00010; gnomAD 0.00006; TOPMed 0.00004; ExAC 0.00003.
gnomAD v4.1: 149 of 1,613,232 alleles (0.0092%); highest among the groups gnomAD compares: Non-Finnish European, 0.012%; no homozygotes.

Submissions (2):

Ambry Genetics
Classification: Uncertain significance for Inborn genetic diseases. Last evaluated: 2026-08-17. Review status: criteria provided, single submitter. Criteria: Ambry Variant Classification Scheme 2023. Collection method: clinical testing. Allele origin: germline.
Comment: The c.949C>G (p.H317D) alteration is located in exon 3 (coding exon 1) of the LIPT1 gene. This alteration results from a C to G substitution at nucleotide position 949, causing the histidine (H) at amino acid position 317 to be replaced by an aspartic acid (D). Based on data from gnomAD, the G allele has an overall frequency of 0.004% (10/281520) total alleles studied. The highest observed frequency was 0.008% (10/128706) of European (non-Finnish) alleles. Based on insufficient or conflicting evidence, the clinical significance of this alteration remains unclear.

Labcorp Genetics (formerly Invitae), Labcorp
Classification: Uncertain significance. Last evaluated: 2023-08-04. Review status: criteria provided, single submitter. Criteria: Invitae Variant Classification Sherloc (09022015). Collection method: clinical testing. Allele origin: germline.
Comment: ClinVar contains an entry for this variant (Variation ID: 1371883). This variant has not been reported in the literature in individuals affected with LIPT1-related conditions. This variant is present in population databases (rs200526274, gnomAD 0.007%). This sequence change replaces histidine, which is basic and polar, with aspartic acid, which is acidic and polar, at codon 317 of the LIPT1 protein (p.His317Asp). In summary, the available evidence is currently insufficient to determine the role of this variant in disease. Therefore, it has been classified as a Variant of Uncertain Significance. Advanced modeling of protein sequence and biophysical properties (such as structural, functional, and spatial information, amino acid conservation, physicochemical variation, residue mobility, and thermodynamic stability) performed at Invitae indicates that this missense variant is not expected to disrupt LIPT1 protein function.

NM_145199.3(LIPT1):c.949C>G (p.His317Asp)

Genes: LIPT1 (lipoyltransferase 1; plus strand), MITD1 (microtubule interacting and trafficking domain containing 1; minus strand). Cytogenetic location: 2q11.2.
Variant type: single nucleotide variant.
Coding change: c.949C>G on transcript NM_145199.3 (MANE Select); coding-DNA position 949, C replaced by G.
Protein change: p.His317Asp; replaces histidine 317 with aspartic acid.
Molecular consequence: missense variant. On other transcripts: non-coding transcript variant (2).
Genome position (GRCh38, 1-based): chr2:99,162,906, C>G. VCF-style: chr2-99162906-C-G. GRCh37 (hg19) VCF-style: chr2-99779369-C-G.
Other names: c.949C>G, p.His317Asp (NM_001204830.2, NM_015929.4, NM_145197.3 and 1 more transcripts); c.949C>G (NM_001204830.1); short protein forms H317D.
Identifiers: ClinVar variation 1371883 (VCV001371883.8), dbSNP rs200526274, ClinGen allele CA1797408.